The following is an entry in ClinVar:

NM_000094.4(COL7A1):c.184G>T (p.Glu62Ter)

Gene: COL7A1 (collagen type VII alpha 1 chain; minus strand). Cytogenetic location: 3p21.31.
Variant type: single nucleotide variant.
Coding change: c.184G>T on transcript NM_000094.4 (MANE Select); coding-DNA position 184, G replaced by T.
Protein change: p.Glu62Ter; replaces glutamic acid 62 with a stop codon.
Molecular consequence: nonsense.
Genome position (GRCh38, 1-based): chr3:48,594,450, C>A on the plus strand (G>T on the coding strand, the complement: COL7A1 is on the minus strand). VCF-style: chr3-48594450-C-A. GRCh37 (hg19) VCF-style: chr3-48631883-C-A.
Other names: short protein forms E62*.
Identifiers: ClinVar variation 2809496 (VCV002809496.3), dbSNP rs2531365245, ClinGen allele CA352749566.

ClinVar aggregate classification (germline): Pathogenic (1 of 4 stars; one submission).

gnomAD v4.1: 1 of 1,612,268 alleles (0.000062%); highest among the groups gnomAD compares: Non-Finnish European, 0.000085%; no homozygotes.

Submission:

Labcorp Genetics (formerly Invitae), Labcorp
Classification: Pathogenic. Last evaluated: 2022-11-04. Review status: criteria provided, single submitter. Criteria: Invitae Variant Classification Sherloc (09022015). Collection method: clinical testing. Allele origin: germline.
Comment: For these reasons, this variant has been classified as Pathogenic. This variant has not been reported in the literature in individuals affected with COL7A1-related conditions. This variant is not present in population databases (gnomAD no frequency). This sequence change creates a premature translational stop signal (p.Glu62*) in the COL7A1 gene. It is expected to result in an absent or disrupted protein product. Loss-of-function variants in COL7A1 are known to be pathogenic (PMID: 16971478).

Literature cited by the submitters: PubMed 16971478.